The following is an entry in ClinVar:

NM_003119.4(SPG7):c.1420C>T (p.His474Tyr)

Gene: SPG7 (SPG7 matrix AAA peptidase subunit, paraplegin; plus strand). Cytogenetic location: 16q24.3.
Variant type: single nucleotide variant.
Coding change: c.1420C>T on transcript NM_003119.4 (MANE Select); coding-DNA position 1420, C replaced by T.
Protein change: p.His474Tyr; replaces histidine 474 with tyrosine.
Molecular consequence: missense variant.
Genome position (GRCh38, 1-based): chr16:89,544,743, C>T. VCF-style: chr16-89544743-C-T. GRCh37 (hg19) VCF-style: chr16-89611151-C-T.
Other names: c.1420C>T, p.His474Tyr (NM_001363850.1); short protein forms H474Y.
Identifiers: ClinVar variation 566692 (VCV000566692.9), dbSNP rs1567926386, ClinGen allele CA397425404.

ClinVar aggregate classification (germline): Conflicting classifications of pathogenicity. Review status: criteria provided, conflicting classifications (1 of 4 stars). 2 submissions from 2 submitters: Likely pathogenic (1); Uncertain significance (1). Last evaluated 2022-01-01.

Conditions:
Hereditary spastic paraplegia 7 (SPG7). Also called: SPG7-related neurologic disorder; SPASTIC PARAPLEGIA 7, AUTOSOMAL RECESSIVE, WITH OR WITHOUT CEREBELLAR ATAXIA; Spastic paraplegia 7; Hereditary spastic paraplegia Paraplegin type; Autosomal recessive spastic paraplegia type 7. Identifiers: Orphanet 99013, MedGen C1846564, MONDO:0011803, OMIM 607259.

Allele frequency attached by ClinVar (database versions not stated): gnomAD exomes 0.00001.
gnomAD v4.1: 7 of 1,614,128 alleles (0.00043%); highest among the groups gnomAD compares: Non-Finnish European, 0.00059%; no homozygotes.

Submissions (2):

PROSPAX: an integrated multimodal progression  chart in spastic ataxias, Center for Neurology; Hertie-Institute for Clinical Brain Research
Classification: Likely pathogenic for Hereditary spastic paraplegia 7. Last evaluated: 2022-01-01. Review status: criteria provided, single submitter. Criteria: ACMG Guidelines, 2015. Collection method: research. Allele origin: germline. Affected: yes. Observed: 1 variant allele, 1 compound heterozygote.

Labcorp Genetics (formerly Invitae), Labcorp
Classification: Uncertain significance for Hereditary spastic paraplegia 7. Last evaluated: 2018-06-14. Review status: criteria provided, single submitter. Criteria: Invitae Variant Classification Sherloc (09022015). Collection method: clinical testing. Allele origin: germline.
Comment: In summary, the available evidence is currently insufficient to determine the role of this variant in disease. Therefore, it has been classified as a Variant of Uncertain Significance. Algorithms developed to predict the effect of sequence changes on RNA splicing suggest that this variant may create or strengthen a splice site, but this prediction has not been confirmed by published transcriptional studies. Algorithms developed to predict the effect of missense changes on protein structure and function (SIFT, PolyPhen-2, Align-GVGD) all suggest that this variant is likely to be disruptive, but these predictions have not been confirmed by published functional studies and their clinical significance is uncertain. This variant has not been reported in the literature in individuals with SPG7-related disease. This variant is not present in population databases (ExAC no frequency). This sequence change replaces histidine with tyrosine at codon 474 of the SPG7 protein (p.His474Tyr). The histidine residue is highly conserved and there is a moderate physicochemical difference between histidine and tyrosine.